The following is an entry in ClinVar:

ClinVar aggregate classification (germline): Pathogenic (1 of 4 stars; one submission).

Conditions:
Hereditary cancer-predisposing syndrome. Also called: Hereditary neoplastic syndrome; Hereditary Cancer Syndrome; Neoplastic Syndromes, Hereditary; Tumor predisposition. Identifiers: Orphanet 140162, MedGen C0027672, MeSH D009386, MONDO:0015356.

Submission:

Color Diagnostics, LLC DBA Color Health
Classification: Pathogenic for Hereditary cancer-predisposing syndrome. Last evaluated: 2022-09-08. Review status: criteria provided, single submitter. Criteria: ACMG Guidelines, 2015. Collection method: clinical testing. Allele origin: germline.
Comment: This variant deletes 1 nucleotide in exon 4 of the PMS2 gene, creating a frameshift and premature translation stop signal. This variant is expected to result in an absent or non-functional protein product. To our knowledge, this variant has not been reported in individuals affected with hereditary cancer in the literature. This variant has not been identified in the general population by the Genome Aggregation Database (gnomAD). Loss of PMS2 function is a known mechanism of disease. Based on the available evidence, this variant is classified as Pathogenic.

NM_000535.7(PMS2):c.343del (p.Cys115fs)

Gene: PMS2 (PMS1 homolog 2, mismatch repair system component; minus strand). Cytogenetic location: 7p22.1.
Variant type: Deletion.
Coding change: c.343del on transcript NM_000535.7 (MANE Select); coding-DNA position 343, one base deleted (T; older notation c.343delT).
Protein change: p.Cys115fs; shifts the reading frame from cysteine 115.
Molecular consequence: frameshift variant. On other transcripts: 5 prime UTR variant (25), non-coding transcript variant (1), intron variant (21).
Genome position (GRCh38, 1-based): chr7:6,003,700, A deleted on the plus strand (T on the coding strand, the reverse complement: PMS2 is on the minus strand); the first of 3 consecutive A bases (chr7:6,003,700-6,003,702); deleting any one gives the same sequence. VCF-style (leftmost placement, unchanged base first): chr7-6003699-CA-C. GRCh37 (hg19) VCF-style: chr7-6043330-CA-C.
Other names: c.-65delT (NM_001018040.1); c.-63del (NM_001322003.2, NM_001322004.2, NM_001322005.2 and 13 more transcripts); c.343del, p.Cys115fs (NM_001322006.2, NM_001322014.2, NM_001406869.1 and 8 more transcripts); c.-542del (NM_001322011.2, NM_001322012.2); c.-142del (NM_001322015.2, NM_001406875.1, NM_001406877.1 and 3 more transcripts); c.529del, p.Cys177fs (NM_001406866.1); c.367del, p.Cys123fs (NM_001406868.1); c.-53del (NM_001406890.1); and 6 more; short protein forms C115fs, C123fs, C177fs.
Identifiers: ClinVar variation 2774150 (VCV002774150.2), dbSNP rs2536494418, ClinGen allele CA2697557109.